The following is an entry in ClinVar:

ClinVar aggregate classification (germline): Uncertain significance. Review status: criteria provided, multiple submitters, no conflicts (2 of 4 stars). 3 submissions from 3 submitters: Uncertain significance (3). Last evaluated 2026-01-25.

Conditions:
Colorectal cancer. Also called: Malignant Colorectal Neoplasm; Colorectal cancer, somatic. Identifiers: MedGen C0346629, MONDO:0005575, OMIM 114500.
Hereditary cancer-predisposing syndrome. Also called: Tumor predisposition; Hereditary neoplastic syndrome; Hereditary Cancer Syndrome; Neoplastic Syndromes, Hereditary. Identifiers: Orphanet 140162, MedGen C0027672, MeSH D009386, MONDO:0015356.
Oligodontia-cancer predisposition syndrome. Also called: TOOTH AGENESIS-COLORECTAL CANCER SYNDROME. Identifiers: Orphanet 300576, MedGen C1837750, MONDO:0012075, OMIM 608615. Disease mechanism: loss of function.

Allele frequency attached by ClinVar (database versions not stated): ESP Exome Variant Server 0.00008.
gnomAD v4.1: 6 of 1,613,482 alleles (0.00037%); highest among the groups gnomAD compares: East Asian, 0.0022%; no homozygotes.

Submissions (3):

Labcorp Genetics (formerly Invitae), Labcorp
Classification: Uncertain significance for Oligodontia-cancer predisposition syndrome. Last evaluated: 2026-01-25. Review status: criteria provided, single submitter. Criteria: Invitae Variant Classification Sherloc (09022015). Collection method: clinical testing. Allele origin: germline.
Comment: This sequence change replaces isoleucine, which is neutral and non-polar, with leucine, which is neutral and non-polar, at codon 519 of the AXIN2 protein (p.Ile519Leu). This variant is not present in population databases (gnomAD no frequency). This variant has not been reported in the literature in individuals affected with AXIN2-related conditions. ClinVar contains an entry for this variant (Variation ID: 962954). An algorithm developed to predict the effect of missense changes on protein structure and function (PolyPhen-2) suggests that this variant is likely to be tolerated. In summary, the available evidence is currently insufficient to determine the role of this variant in disease. Therefore, it has been classified as a Variant of Uncertain Significance.

Ambry Genetics
Classification: Uncertain significance for Hereditary cancer-predisposing syndrome. Last evaluated: 2024-10-17. Review status: criteria provided, single submitter. Criteria: Ambry Variant Classification Scheme 2023. Collection method: clinical testing. Allele origin: germline.
Comment: The p.I519L variant (also known as c.1555A>C), located in coding exon 5 of the AXIN2 gene, results from an A to C substitution at nucleotide position 1555. The isoleucine at codon 519 is replaced by leucine, an amino acid with highly similar properties. This amino acid position is well conserved in available vertebrate species. In addition, this alteration is predicted to be tolerated by in silico analysis. Based on the available evidence, the clinical significance of this variant remains unclear.

Baylor Genetics
Classification: Uncertain significance for Colorectal cancer. Last evaluated: 2023-05-04. Review status: criteria provided, single submitter. Criteria: ACMG Guidelines, 2015. Collection method: clinical testing. Allele origin: unknown.

NM_004655.4(AXIN2):c.1555A>C (p.Ile519Leu)

Gene: AXIN2 (axin 2; minus strand). Cytogenetic location: 17q24.1.
Variant type: single nucleotide variant.
Coding change: c.1555A>C on transcript NM_004655.4 (MANE Select); coding-DNA position 1555, A replaced by C.
Protein change: p.Ile519Leu; replaces isoleucine 519 with leucine.
Molecular consequence: missense variant.
Genome position (GRCh38, 1-based): chr17:65,537,481, T>G on the plus strand (A>C on the coding strand, the complement: AXIN2 is on the minus strand). VCF-style: chr17-65537481-T-G. GRCh37 (hg19) VCF-style: chr17-63533599-T-G.
Other names: c.1555A>C, p.Ile519Leu (NM_001363813.1); short protein forms I519L.
Identifiers: ClinVar variation 962954 (VCV000962954.14), dbSNP rs146769008, ClinGen allele CA293098238.
Genomic context (GRCh38, chr17:65,537,481, plus strand): 5'-CCCGCTGCGTGGCCTCCGCCTCGATCTCCTCCTTGGTCTTGGGGACGGCATGGTGGTGGA[T>G]GTAGTGGTGGTGGACATGCTTCGTCGTCTGCTTGGTCACAAAGCCTTTGCCCCCGAGGAG-3'
Protein context (NP_004646.3, residues 509-529): QTTKHVHHHY[Ile519Leu]HHHAVPKTKE